The following is an entry in ClinVar:

NM_001282531.3(ADNP):c.2902G>A (p.Gly968Ser)

Gene: ADNP (activity dependent neuroprotector homeobox; minus strand). Cytogenetic location: 20q13.13.
Variant type: single nucleotide variant.
Coding change: c.2902G>A on transcript NM_001282531.3 (MANE Select); coding-DNA position 2902, G replaced by A.
Protein change: p.Gly968Ser; replaces glycine 968 with serine.
Molecular consequence: missense variant.
Genome position (GRCh38, 1-based): chr20:50,891,812, C>T on the plus strand (G>A on the coding strand, the complement: ADNP is on the minus strand). VCF-style: chr20-50891812-C-T. GRCh37 (hg19) VCF-style: chr20-49508349-C-T.
Other names: c.2902G>A, p.Gly968Ser (NM_001282532.2, NM_001347511.2, NM_015339.5 and 1 more transcripts); short protein forms G968S.
Identifiers: ClinVar variation 2968768 (VCV002968768.3), dbSNP rs6096164, ClinGen allele CA315256181.

ClinVar aggregate classification (germline): Uncertain significance (1 of 4 stars; one submission).

gnomAD v4.1: 15 of 1,614,118 alleles (0.00093%); highest among the groups gnomAD compares: Middle Eastern, 0.016%; no homozygotes.

Submission:

Labcorp Genetics (formerly Invitae), Labcorp
Classification: Uncertain significance. Last evaluated: 2023-01-29. Review status: criteria provided, single submitter. Criteria: Invitae Variant Classification Sherloc (09022015). Collection method: clinical testing. Allele origin: germline.
Comment: In summary, the available evidence is currently insufficient to determine the role of this variant in disease. Therefore, it has been classified as a Variant of Uncertain Significance. An algorithm developed to predict the effect of missense changes on protein structure and function (PolyPhen-2) suggests that this variant is likely to be tolerated. This variant has not been reported in the literature in individuals affected with ADNP-related conditions. This variant is present in population databases (rs6096164, gnomAD 0.003%). This sequence change replaces glycine, which is neutral and non-polar, with serine, which is neutral and polar, at codon 968 of the ADNP protein (p.Gly968Ser).